The following is an entry in ClinVar:

NM_002292.4(LAMB2):c.3619C>T (p.Arg1207Cys)

Gene: LAMB2 (laminin subunit beta 2; minus strand). Cytogenetic location: 3p21.31.
Variant type: single nucleotide variant.
Coding change: c.3619C>T on transcript NM_002292.4 (MANE Select); coding-DNA position 3619, C replaced by T.
Protein change: p.Arg1207Cys; replaces arginine 1207 with cysteine.
Molecular consequence: missense variant.
Genome position (GRCh38, 1-based): chr3:49,123,906, G>A on the plus strand (C>T on the coding strand, the complement: LAMB2 is on the minus strand). VCF-style: chr3-49123906-G-A. GRCh37 (hg19) VCF-style: chr3-49161339-G-A.
Other names: c.3619C>T (NM_002292.3); short protein forms R1207C.
Identifiers: ClinVar variation 1385741 (VCV001385741.7), dbSNP rs372032732, ClinGen allele CA2394001.

ClinVar aggregate classification (germline): Uncertain significance. Review status: criteria provided, multiple submitters, no conflicts (2 of 4 stars). 2 submissions from 2 submitters: Uncertain significance (2). Last evaluated 2025-02-08.

Conditions:
LAMB2-related infantile-onset nephrotic syndrome. Also called: Nephrotic Syndrome, type 5; NEPHROTIC SYNDROME, TYPE 5, WITHOUT OCULAR ABNORMALITIES; NEPHROTIC SYNDROME, TYPE 5, WITH OCULAR ABNORMALITIES. Identifiers: Orphanet 306507, MedGen C3280113, MONDO:0013621, OMIM 614199.
Pierson syndrome. Also called: MICROCORIA-CONGENITAL NEPHROTIC SYNDROME. Identifiers: Orphanet 2670, MedGen C1836876, MONDO:0012184, OMIM 609049.
Inborn genetic diseases. Identifiers: MedGen C0950123, MeSH D030342.

Allele frequency attached by ClinVar (database versions not stated): gnomAD exomes 0.00001; ExAC 0.00002; TOPMed 0.00002; gnomAD 0.00004; ESP Exome Variant Server 0.00008.
gnomAD v4.1: 18 of 1,613,182 alleles (0.0011%); highest among the groups gnomAD compares: African/African-American, 0.008%; no homozygotes.

Submissions (2):

Ambry Genetics
Classification: Uncertain significance for Inborn genetic diseases. Last evaluated: 2025-02-08. Review status: criteria provided, single submitter. Criteria: Ambry Variant Classification Scheme 2023. Collection method: clinical testing. Allele origin: germline.

Labcorp Genetics (formerly Invitae), Labcorp
Classification: Uncertain significance for LAMB2-related infantile-onset nephrotic syndrome; Pierson syndrome. Last evaluated: 2022-07-19. Review status: criteria provided, single submitter. Criteria: Invitae Variant Classification Sherloc (09022015). Collection method: clinical testing. Allele origin: germline.
Comment: This variant is present in population databases (rs372032732, gnomAD 0.01%). This sequence change replaces arginine, which is basic and polar, with cysteine, which is neutral and slightly polar, at codon 1207 of the LAMB2 protein (p.Arg1207Cys). This variant has not been reported in the literature in individuals affected with LAMB2-related conditions. ClinVar contains an entry for this variant (Variation ID: 1385741). Algorithms developed to predict the effect of missense changes on protein structure and function (SIFT, PolyPhen-2, Align-GVGD) all suggest that this variant is likely to be disruptive. In summary, the available evidence is currently insufficient to determine the role of this variant in disease. Therefore, it has been classified as a Variant of Uncertain Significance.